The following is an entry in ClinVar:

NM_015910.7(WDPCP):c.1916-4A>G

Gene: WDPCP (WD repeat containing planar cell polarity effector; minus strand). Cytogenetic location: 2p15.
Variant type: single nucleotide variant.
Coding change: c.1916-4A>G on transcript NM_015910.7 (MANE Select); 4 bases into the intron before coding-DNA position 1916, A replaced by G.
Molecular consequence: intron variant.
Genome position (GRCh38, 1-based): chr2:63,174,836, T>C on the plus strand (A>G on the coding strand, the complement: WDPCP is on the minus strand). VCF-style: chr2-63174836-T-C. GRCh37 (hg19) VCF-style: chr2-63401971-T-C.
Other names: c.1916-4A>G (NM_015910.5); c.1844-4A>G (NM_001354044.2); c.1439-4A>G (NM_001042692.3).
Identifiers: ClinVar variation 1427002 (VCV001427002.7), dbSNP rs764595056, ClinGen allele CA1682048.
Genomic context (GRCh38, chr2:63,174,836, plus strand): 5'-ACAGGCCAATAAATGCTTCATTTAGCATATCCCCTCTGTCCAAGGGTCCCAGGAGTTCTG[T>C]TGAAAATGATTAATATGTGAGTGAAATACTAAGTACAATTTCTGCTAACTCCCTTATAAG-3'

ClinVar aggregate classification (germline): Uncertain significance. Review status: criteria provided, single submitter (1 of 4 stars). 2 submissions from 2 submitters: Uncertain significance (1). 1 of the submissions does not count toward it. Last evaluated 2024-08-12.

Conditions:
WDPCP-related disorder. Also called: WDPCP-related condition.
Bardet-Biedl syndrome (BBS). Identifiers: Orphanet 110, MedGen C0752166, MONDO:0015229.

Allele frequency attached by ClinVar (database versions not stated): ExAC 0.00001; gnomAD exomes 0.00001; gnomAD 0.00002; TOPMed 0.00003.
gnomAD v4.1: 10 of 1,613,348 alleles (0.00062%); highest among the groups gnomAD compares: Non-Finnish European, 0.00076%; no homozygotes.

Submissions (2):

Labcorp Genetics (formerly Invitae), Labcorp
Classification: Uncertain significance for Bardet-Biedl syndrome. Last evaluated: 2024-08-12. Review status: criteria provided, single submitter. Criteria: Invitae Variant Classification Sherloc (09022015). Collection method: clinical testing. Allele origin: germline.
Comment: This sequence change falls in intron 14 of the WDPCP gene. It does not directly change the encoded amino acid sequence of the WDPCP protein. This variant is present in population databases (rs764595056, gnomAD 0.004%). This variant has not been reported in the literature in individuals affected with WDPCP-related conditions. ClinVar contains an entry for this variant (Variation ID: 1427002). Algorithms developed to predict the effect of sequence changes on RNA splicing suggest that this variant may disrupt the consensus splice site. In summary, the available evidence is currently insufficient to determine the role of this variant in disease. Therefore, it has been classified as a Variant of Uncertain Significance.

PreventionGenetics, part of Exact Sciences
Classification: Uncertain significance for WDPCP-related condition. Last evaluated: 2024-01-03. Review status: no assertion criteria provided. Collection method: clinical testing. Allele origin: germline. Not counted in ClinVar's aggregate classification.
Comment: The WDPCP c.1916-4A>G variant is predicted to interfere with splicing. To our knowledge, this variant has not been reported in the literature. This variant is reported in 0.0041% of alleles in individuals of African descent in gnomAD. At this time, the clinical significance of this variant is uncertain due to the absence of conclusive functional and genetic evidence.